The following is an entry in ClinVar:

NM_001388492.1(HTT):c.3463G>A (p.Val1155Ile)

Gene: HTT (huntingtin; plus strand). Cytogenetic location: 4p16.3.
Variant type: single nucleotide variant.
Coding change: c.3463G>A on transcript NM_001388492.1 (MANE Select); coding-DNA position 3463, G replaced by A.
Protein change: p.Val1155Ile; replaces valine 1155 with isoleucine.
Molecular consequence: missense variant.
Genome position (GRCh38, 1-based): chr4:3,148,172, G>A. VCF-style: chr4-3148172-G-A. GRCh37 (hg19) VCF-style: chr4-3149899-G-A.
Other names: c.3469G>A, p.Val1157Ile (NM_002111.8); short protein forms V1155I, V1157I.
Identifiers: ClinVar variation 1401824 (VCV001401824.6), dbSNP rs373038776, ClinGen allele CA91448661.

ClinVar aggregate classification (germline): Uncertain significance (1 of 4 stars; one submission).

Allele frequency attached by ClinVar (database versions not stated): gnomAD 0.00001; gnomAD exomes 0.00001 and 0.00002; TOPMed 0.00001.
gnomAD v4.1: 27 of 1,605,180 alleles (0.0017%); highest among the groups gnomAD compares: East Asian, 0.011%; no homozygotes.

Submission:

Labcorp Genetics (formerly Invitae), Labcorp
Classification: Uncertain significance. Last evaluated: 2022-12-06. Review status: criteria provided, single submitter. Criteria: Invitae Variant Classification Sherloc (09022015). Collection method: clinical testing. Allele origin: germline.
Comment: In summary, the available evidence is currently insufficient to determine the role of this variant in disease. Therefore, it has been classified as a Variant of Uncertain Significance. Experimental studies and prediction algorithms are not available or were not evaluated, and the functional significance of this variant is currently unknown. ClinVar contains an entry for this variant (Variation ID: 1401824). This variant has not been reported in the literature in individuals affected with HTT-related conditions. This variant is present in population databases (rs373038776, gnomAD 0.007%). This sequence change replaces valine, which is neutral and non-polar, with isoleucine, which is neutral and non-polar, at codon 1157 of the HTT protein (p.Val1157Ile).